The following is an entry in ClinVar:

NM_003413.4(ZIC3):c.160_165del (p.Ala54_Ala55del)

Gene: ZIC3 (Zic family zinc finger 3; plus strand). Cytogenetic location: Xq26.3.
Variant type: Deletion.
Coding change: c.160_165del on transcript NM_003413.4 (MANE Select); coding-DNA positions 160 to 165, 6 bases deleted (GCTGCC; older notation c.160_165delGCTGCC).
Protein change: p.Ala54_Ala55del.
Molecular consequence: inframe deletion.
Genome position (GRCh38, 1-based): chrX:137,566,851-137,566,856, GCTGCC deleted; deleting any 6 consecutive bases within chrX:137,566,848-137,566,856 gives the same sequence; the c. name uses the placement nearest the transcript's 3' end. VCF-style (leftmost placement, unchanged base first): chrX-137566847-CGCCGCT-C. GRCh37 (hg19) VCF-style: chrX-136649006-CGCCGCT-C.
Other names: c.160_165del, p.Ala54_Ala55del (NM_001330661.1).
Identifiers: ClinVar variation 4980519 (VCV004980519.1).

ClinVar aggregate classification (germline): Uncertain significance (1 of 4 stars; one submission).

Conditions:
ZIC3-related disorder. Also called: ZIC3-Related Disorders; ZIC3-related condition.

Submission:

PreventionGenetics, part of Exact Sciences
Classification: Uncertain significance for ZIC3-related condition. Last evaluated: 2025-07-26. Review status: criteria provided, single submitter. Criteria: ACMG Guidelines, 2015. Collection method: clinical testing. Allele origin: germline.
Comment: The ZIC3 c.160_165del6 variant is predicted to result in an in-frame deletion (p.Ala54_Ala55del). To our knowledge, this variant has not been reported in the literature. This variant is reported in 0.018% of alleles in individuals of African descent in gnomAD. At this time, the clinical significance of this variant is uncertain due to the absence of conclusive functional and genetic evidence.